The following is an entry in ClinVar:

NM_002878.4(RAD51D):c.768C>T (p.Asp256=)

Genes: RAD51L3-RFFL (RAD51L3-RFFL readthrough; minus strand), RAD51D (RAD51 paralog D; minus strand). Cytogenetic location: 17q12.
Variant type: single nucleotide variant.
Coding change: c.768C>T on transcript NM_002878.4 (MANE Select); coding-DNA position 768, C replaced by T.
Protein change: p.Asp256=; no amino-acid change (aspartic acid 256 retained).
Molecular consequence: synonymous variant. On other transcripts: non-coding transcript variant (3).
Genome position (GRCh38, 1-based): chr17:35,101,336, G>A on the plus strand (C>T on the coding strand, the complement: RAD51D is on the minus strand). VCF-style: chr17-35101336-G-A. GRCh37 (hg19) VCF-style: chr17-33428355-G-A.
Other names: c.828C>T, p.Asp276= (NM_001142571.2); c.432C>T, p.Asp144= (NM_133629.3).
Identifiers: ClinVar variation 378463 (VCV000378463.11), dbSNP rs569428131, ClinGen allele CA8499346.

ClinVar aggregate classification (germline): Benign/Likely benign. Review status: criteria provided, multiple submitters, no conflicts (2 of 4 stars). 4 submissions from 4 submitters: Benign (1); Likely benign (3). Last evaluated 2025-03-09.

Conditions:
Hereditary cancer-predisposing syndrome. Also called: Hereditary neoplastic syndrome; Hereditary Cancer Syndrome; Neoplastic Syndromes, Hereditary; Tumor predisposition. Identifiers: Orphanet 140162, MedGen C0027672, MeSH D009386, MONDO:0015356.
Breast-ovarian cancer, familial, susceptibility to, 4. Identifiers: Orphanet 145, MedGen C3280345, MONDO:0013669, OMIM 614291.

Submissions (4):

Labcorp Genetics (formerly Invitae), Labcorp
Classification: Likely benign for Breast-ovarian cancer, familial, susceptibility to, 4. Last evaluated: 2025-03-09. Review status: criteria provided, single submitter. Criteria: Invitae Variant Classification Sherloc (09022015). Collection method: clinical testing. Allele origin: germline.

Myriad Genetics, Inc.
Classification: Benign for Breast-ovarian cancer, familial, susceptibility to, 4. Last evaluated: 2025-02-24. Review status: criteria provided, single submitter. Criteria: Myriad Autosomal Dominant, Autosomal Recessive and X-Linked Classification Criteria (2023). Collection method: clinical testing. Allele origin: unknown.
Comment: This variant is considered benign. This variant is a silent/synonymous amino acid change and it is not expected to impact splicing.

Ambry Genetics
Classification: Likely benign for Hereditary cancer-predisposing syndrome. Last evaluated: 2015-11-09. Review status: criteria provided, single submitter. Criteria: Ambry Variant Classification Scheme 2023. Collection method: clinical testing. Allele origin: germline.

GeneDx
Classification: Likely benign. Last evaluated: 2015-09-30. Review status: criteria provided, single submitter. Criteria: GeneDx Variant Classification (06012015). Collection method: clinical testing. Allele origin: germline. Affected: yes.
Comment: This variant is considered likely benign or benign based on one or more of the following criteria: it is a conservative change, it occurs at a poorly conserved position in the protein, it is predicted to be benign by multiple in silico algorithms, and/or has population frequency not consistent with disease.